The following is an entry in ClinVar:

ClinVar aggregate classification (germline): Pathogenic (1 of 4 stars; one submission).

Conditions:
Charlevoix-Saguenay spastic ataxia (SACS). Also called: SPASTIC ATAXIA 6, AUTOSOMAL RECESSIVE; AUTOSOMAL RECESSIVE SPASTIC ATAXIA OF CHARLEVOIX-SAGUENAY; Spastic ataxia of Charlevoix-Saguenay. Identifiers: Orphanet 98, MedGen C1849140, MONDO:0010041, OMIM 270550.

Submission:

Myriad Genetics, Inc.
Classification: Pathogenic for Charlevoix-Saguenay spastic ataxia. Last evaluated: 2025-09-24. Review status: criteria provided, single submitter. Criteria: Myriad Autosomal Dominant, Autosomal Recessive and X-Linked Classification Criteria (2023). Collection method: clinical testing. Allele origin: unknown.
Comment: NM_014363.4(SACS):c.7427_7431del5(V2476Gfs*10) is a frameshift variant classified as pathogenic in the context of autosomal recessive spastic ataxia of Charlevoix-Saguenay. V2476Gfs*10 has not been observed in cases with relevant disease. Relevant functional assessments of this variant are not available in the literature. V2476Gfs*10 has not been observed in referenced population frequency databases. In summary, NM_014363.4(SACS):c.7427_7431del5(V2476Gfs*10) is a frameshift variant in a gene where loss of function is a known mechanism of disease and is predicted to disrupt protein function. Please note: this variant was assessed in the context of healthy population screening.

NM_014363.6(SACS):c.7427_7431del (p.Val2476fs)

Gene: SACS (sacsin molecular chaperone; minus strand). Cytogenetic location: 13q12.12.
Variant type: Deletion.
Coding change: c.7427_7431del on transcript NM_014363.6 (MANE Select); coding-DNA positions 7427 to 7431, 5 bases deleted (TAAAG; older notation c.7427_7431delTAAAG).
Protein change: p.Val2476fs; shifts the reading frame from valine 2476.
Molecular consequence: frameshift variant.
Genome position (GRCh38, 1-based): chr13:23,336,445-23,336,449, CTTTA deleted on the plus strand (TAAAG on the coding strand, the reverse complement: SACS is on the minus strand); deleting any 5 consecutive bases within chr13:23,336,445-23,336,453 gives the same sequence; the c. name uses the placement nearest the transcript's 3' end. VCF-style (leftmost placement, unchanged base first): chr13-23336444-CCTTTA-C. GRCh37 (hg19) VCF-style: chr13-23910583-CCTTTA-C.
Other names: c.6986_6990del, p.Val2329fs (NM_001278055.2); c.7454_7458del, p.Val2485fs (NM_001437336.1); short protein forms V2476fs, V2485fs, V2329fs.
Identifiers: ClinVar variation 5003576 (VCV005003576.1).